The following is an entry in ClinVar:

NM_001377.3(DYNC2H1):c.9918+180_9918+183del

Gene: DYNC2H1 (dynein cytoplasmic 2 heavy chain 1; plus strand). Cytogenetic location: 11q22.3.
Variant type: Microsatellite.
Coding change: c.9918+180_9918+183del on transcript NM_001377.3 (MANE Select); bases 180 to 183 of the intron after coding-DNA position 9918, 4 bases deleted (ATTT; older notation c.9918+180_9918+183delATTT).
Molecular consequence: intron variant.
Genome position (GRCh38, 1-based): chr11:103,243,971-103,243,974, ATTT deleted; deleting any 4 consecutive bases within chr11:103,243,966-103,243,974 gives the same sequence; the c. name uses the placement nearest the transcript's 3' end. VCF-style (leftmost placement, unchanged base first): chr11-103243965-ATATT-A. GRCh37 (hg19) VCF-style: chr11-103114694-ATATT-A.
Other names: c.9939+180_9939+183del (NM_001080463.2).
Identifiers: ClinVar variation 672819 (VCV000672819.1), dbSNP rs140939541, ClinGen allele CA227412322.

ClinVar aggregate classification (germline): Benign (1 of 4 stars; one submission).

Submission:

GeneDx
Classification: Benign. Last evaluated: 2018-06-14. Review status: criteria provided, single submitter. Criteria: GeneDx Variant Classification (06012015). Collection method: clinical testing. Allele origin: germline. Affected: yes.
Comment: This variant is considered likely benign or benign based on one or more of the following criteria: it is a conservative change, it occurs at a poorly conserved position in the protein, it is predicted to be benign by multiple in silico algorithms, and/or has population frequency not consistent with disease.